The following is an entry in ClinVar:

NM_000206.3(IL2RG):c.595-12T>C

Gene: IL2RG (interleukin 2 receptor subunit gamma; minus strand). Cytogenetic location: Xq13.1.
Variant type: single nucleotide variant.
Coding change: c.595-12T>C on transcript NM_000206.3 (MANE Select); 12 bases into the intron before coding-DNA position 595, T replaced by C.
Molecular consequence: intron variant.
Genome position (GRCh38, 1-based): chrX:71,109,402, A>G on the plus strand (T>C on the coding strand, the complement: IL2RG is on the minus strand). VCF-style: chrX-71109402-A-G. GRCh37 (hg19) VCF-style: chrX-70329252-A-G.
Other names: c.595-12T>C (NM_001438870.1).
Identifiers: ClinVar variation 4767793 (VCV004767793.1).
Genomic context (GRCh38, chrX:71,109,402, plus strand): 5'-CATCCACACTAGGCAAGGAGAACTTATGTCTATAATCCACTGATTGTTCCTTGAGGAGAA[A>G]GAGGATGAGGGAAAGTGGGTGTCTATGAGAGAAGGGAGAATTAAAACATACTCCTGAACA-3'

ClinVar aggregate classification (germline): Uncertain significance (1 of 4 stars; one submission).

Conditions:
X-linked severe combined immunodeficiency (SCIDX1). Also called: IMMUNODEFICIENCY 4; SCID, X-LINKED; SEVERE COMBINED IMMUNODEFICIENCY, X-LINKED, T CELL-NEGATIVE, B CELL-POSITIVE, NK CELL-NEGATIVE; X-Linked Combined Immunodeficiency Diseases; T-B+ severe combined immunodeficiency due to gamma chain deficiency. Identifiers: Orphanet 276, MedGen C6022468, MONDO:0010315, OMIM 300400. Disease mechanism: loss of function.

gnomAD v4.1: 2 of 1,205,099 alleles (0.00017%); highest among the groups gnomAD compares: Non-Finnish European, 0.00022%; no homozygotes.

Submission:

Labcorp Genetics (formerly Invitae), Labcorp
Classification: Uncertain significance for X-linked severe combined immunodeficiency. Last evaluated: 2025-09-09. Review status: criteria provided, single submitter. Criteria: Invitae Variant Classification Sherloc (09022015). Collection method: clinical testing. Allele origin: germline.
Comment: This sequence change falls in intron 4 of the IL2RG gene. It does not directly change the encoded amino acid sequence of the IL2RG protein. This variant is not present in population databases (gnomAD no frequency). This variant has not been reported in the literature in individuals affected with IL2RG-related conditions. Algorithms developed to predict the effect of sequence changes on RNA splicing suggest that this variant may disrupt the consensus splice site. In summary, the available evidence is currently insufficient to determine the role of this variant in disease. Therefore, it has been classified as a Variant of Uncertain Significance.